The following is an entry in ClinVar:

NM_138694.4(PKHD1):c.6754C>T (p.Leu2252=)

Gene: PKHD1 (PKHD1 ciliary IPT domain containing fibrocystin/polyductin; minus strand). Cytogenetic location: 6p12.2.
Variant type: single nucleotide variant.
Coding change: c.6754C>T on transcript NM_138694.4 (MANE Select); coding-DNA position 6754, C replaced by T.
Protein change: p.Leu2252=; no amino-acid change (leucine 2252 retained).
Molecular consequence: synonymous variant.
Genome position (GRCh38, 1-based): chr6:51,906,269, G>A on the plus strand (C>T on the coding strand, the complement: PKHD1 is on the minus strand). VCF-style: chr6-51906269-G-A. GRCh37 (hg19) VCF-style: chr6-51771067-G-A.
Other names: c.6754C>T (NM_138694.3); c.6754C>T, p.Leu2252= (NM_170724.3).
Identifiers: ClinVar variation 1146159 (VCV001146159.11), dbSNP rs900150542, ClinGen allele CA138908748.

ClinVar aggregate classification (germline): Likely benign. Review status: criteria provided, multiple submitters, no conflicts (2 of 4 stars). 3 submissions from 3 submitters: Likely benign (3). Last evaluated 2025-06-17.

Conditions:
PKHD1-related disorder. Also called: PKHD1-related condition.
Polycystic kidney disease 4 (PKD4). Also called: Autosomal Recessive Polycystic Kidney Disease – PKHD1; PKD3; POLYCYSTIC KIDNEY AND HEPATIC DISEASE 1; POLYCYSTIC KIDNEY DISEASE, INFANTILE, TYPE I; POLYCYSTIC KIDNEY DISEASE 4 WITH OR WITHOUT POLYCYSTIC LIVER DISEASE. Identifiers: MedGen C4540575, MONDO:0033004, OMIM 263200.
Autosomal recessive polycystic kidney disease (ARPKD). Also called: AR polycystic kidney disease. Identifiers: Orphanet 731, Orphanet 8378, MedGen C0085548, MeSH D017044, MONDO:0009889.

Allele frequency attached by ClinVar (database versions not stated): TOPMed below 0.00001.
gnomAD v4.1: 5 of 1,610,972 alleles (0.00031%); highest among the groups gnomAD compares: Admixed American, 0.0083%; no homozygotes.

Submissions (3):

PreventionGenetics, part of Exact Sciences
Classification: Likely benign for PKHD1-related condition. Last evaluated: 2025-06-17. Review status: criteria provided, single submitter. Criteria: ACMG Guidelines, 2015. Collection method: clinical testing. Allele origin: germline.
Comment: This variant is classified as likely benign based on ACMG/AMP sequence variant interpretation guidelines (Richards et al. 2015 PMID: 25741868, with internal and published modifications).

Labcorp Genetics (formerly Invitae), Labcorp
Classification: Likely benign for Autosomal recessive polycystic kidney disease. Last evaluated: 2024-01-05. Review status: criteria provided, single submitter. Criteria: Invitae Variant Classification Sherloc (09022015). Collection method: clinical testing. Allele origin: germline.

Fulgent Genetics
Classification: Likely benign for Polycystic kidney disease 4. Last evaluated: 2022-04-20. Review status: criteria provided, single submitter. Criteria: ACMG Guidelines, 2015. Collection method: clinical testing. Allele origin: unknown.